The following is an entry in ClinVar:

ClinVar aggregate classification (germline): Benign (1 of 4 stars; one submission).

Conditions:
Fibrous dysplasia of jaw (CRBM). Also called: Cherubism. Identifiers: Orphanet 184, MedGen C0008029, MONDO:0007315, OMIM 118400.

Allele frequency attached by ClinVar (database versions not stated): 1000 Genomes Project 0.00180; 1000 Genomes Project 30x 0.00187; TOPMed 0.00267; gnomAD 0.00488 and 0.00506.

Submission:

Illumina Laboratory Services, Illumina
Classification: Benign for Fibrous dysplasia of jaw. Last evaluated: 2018-01-13. Review status: criteria provided, single submitter. Criteria: ICSL Variant Classification Criteria 13 December 2019. Collection method: clinical testing. Allele origin: germline.
Comment: This variant was observed in the ICSL laboratory as part of a predisposition screen in an ostensibly healthy population. It had not been previously curated by ICSL or reported in the Human Gene Mutation Database (HGMD: prior to June 1st, 2018), and was therefore a candidate for classification through an automated scoring system. Utilizing variant allele frequency, disease prevalence and penetrance estimates, and inheritance mode, an automated score was calculated to assess if this variant is too frequent to cause the disease. Based on the score and internal cut-off values, a variant classified as benign is not then subjected to further curation. The score for this variant resulted in a classification of benign for this disease.

NM_001122681.2(SH3BP2):c.*3309C>T

Gene: SH3BP2 (SH3 domain binding protein 2; plus strand). Cytogenetic location: 4p16.3.
Variant type: single nucleotide variant.
Coding change: c.*3309C>T on transcript NM_001122681.2 (MANE Select); 3309 bases downstream of the stop codon, C replaced by T.
Molecular consequence: 3 prime UTR variant.
Genome position (GRCh38, 1-based): chr4:2,837,143, C>T. VCF-style: chr4-2837143-C-T. GRCh37 (hg19) VCF-style: chr4-2838870-C-T.
Other names: c.*3309C>T (LRG_1334t1, LRG_1334t2, NM_001145855.2 and 2 more transcripts).
Identifiers: ClinVar variation 348656 (VCV000348656.5), dbSNP rs150769529, ClinGen allele CA10620920.